The following is an entry in ClinVar:

ClinVar aggregate classification (germline): Likely pathogenic (1 of 4 stars; one submission).

Conditions:
Familial renal glucosuria (GLYS). Also called: RENAL GLUCOSURIA, AUTOSOMAL DOMINANT; Familial renal glycosuria. Identifiers: Orphanet 69076, MedGen C3245525, MONDO:0009297, OMIM 233100.

Submission:

First Genomix Gene Laboratory, Genetic Diagnostics Department
Classification: Likely pathogenic for Familial renal glucosuria. Last evaluated: 2025-09-02. Review status: criteria provided, single submitter. Criteria: ACMG Guidelines, 2015. Collection method: clinical testing. Allele origin: germline. Inheritance: Autosomal recessive inheritance. Affected: no. Observed: 1 variant allele.

NM_003041.4(SLC5A2):c.1863_1891del (p.Val622fs)

Genes: RUSF1 (RUS family member 1; minus strand), SLC5A2 (solute carrier family 5 member 2; plus strand). Cytogenetic location: 16p11.2.
Variant type: Deletion.
Coding change: c.1863_1891del on transcript NM_003041.4 (MANE Select); coding-DNA positions 1863 to 1891, 29 bases deleted (GGTGGGCAGTCCTCCGCCCCTTACCCAGG).
Protein change: p.Val622fs; shifts the reading frame from valine 622.
Molecular consequence: frameshift variant. On other transcripts: 3 prime UTR variant (1), non-coding transcript variant (1).
Genome position (GRCh38, 1-based): chr16:31,490,379-31,490,407, GGTGGGCAGTCCTCCGCCCCTTACCCAGG deleted; deleting any 29 consecutive bases within chr16:31,490,377-31,490,407 gives the same sequence; the c. name uses the placement nearest the transcript's 3' end. VCF-style (leftmost placement, unchanged base first): chr16-31490376-TGGGGTGGGCAGTCCTCCGCCCCTTACCCA-T. GRCh37 (hg19) VCF-style: chr16-31501697-TGGGGTGGGCAGTCCTCCGCCCCTTACCCA-T.
Other names: c.*430_*458del (NM_022744.4); short protein forms V622fs.
Identifiers: ClinVar variation 4850289 (VCV004850289.1).